The following is an entry in ClinVar:

ClinVar aggregate classification (germline): Pathogenic (1 of 4 stars; one submission).

Conditions:
Inborn genetic diseases. Identifiers: MedGen C0950123, MeSH D030342.

Submission:

Ambry Genetics
Classification: Pathogenic for Inborn genetic diseases. Last evaluated: 2026-01-06. Review status: criteria provided, single submitter. Criteria: Ambry Variant Classification Scheme 2023. Collection method: clinical testing. Allele origin: germline.
Comment: The c.2666delG (p.S889Tfs*49) alteration, located in exon 18 (coding exon 13) of the MYT1L gene, consists of a deletion of one nucleotide at position 2666, causing a translational frameshift with a predicted alternate stop codon after 49 amino acids. This alteration is expected to result in loss of function by premature protein truncation or nonsense-mediated mRNA decay. This variant was not reported in population-based cohorts in the Genome Aggregation Database (gnomAD). Based on the available evidence, this alteration is classified as pathogenic.

NM_001303052.2(MYT1L):c.2672del (p.Ser891fs)

Gene: MYT1L (myelin transcription factor 1 like; minus strand). Cytogenetic location: 2p25.3.
Variant type: Deletion.
Coding change: c.2672del on transcript NM_001303052.2 (MANE Select); coding-DNA position 2672, one base deleted (G; older notation c.2672delG).
Protein change: p.Ser891fs; shifts the reading frame from serine 891.
Molecular consequence: frameshift variant.
Genome position (GRCh38, 1-based): chr2:1,886,578, C deleted on the plus strand (G on the coding strand, the reverse complement: MYT1L is on the minus strand). VCF-style (leftmost placement, unchanged base first): chr2-1886577-GC-G. GRCh37 (hg19) VCF-style: chr2-1890349-GC-G.
Other names: c.2672del, p.Ser891fs (NM_001329844.2, NM_001329845.1, NM_001329851.3); c.2666del, p.Ser889fs (NM_001329846.3, NM_001329847.2, NM_001329848.1 and 3 more transcripts); short protein forms S889fs, S891fs.
Identifiers: ClinVar variation 4832983 (VCV004832983.1).
Genomic context (GRCh38, chr2:1,886,577, plus strand): 5'-AATTATTGTCATTAAATCTTACTTGAGTTCTTGGGAGCTGGTGGCCAGCATACTTCGAAT[GC>G]TTTTGTCCGCCAGGGGGCAGCCAGACAGACTGTAAGACAGGCCGGGACAGGCAGGTCAGT-3'